The following is an entry in ClinVar:

ClinVar aggregate classification (germline): Uncertain significance (1 of 4 stars; one submission).

Submission:

GeneDx
Classification: Uncertain significance. Last evaluated: 2026-04-08. Review status: criteria provided, single submitter. Criteria: GeneDx Variant Classification Process June 2021. Collection method: clinical testing. Allele origin: germline.
Comment: Not observed at significant frequency in large population cohorts (gnomAD); In silico analysis suggests that this missense variant does not alter protein structure/function; Has not been previously published as pathogenic or benign to our knowledge

NM_014927.5(CNKSR2):c.2038G>A (p.Glu680Lys)

Gene: CNKSR2 (connector enhancer of kinase suppressor of Ras 2; plus strand). Cytogenetic location: Xp22.12.
Variant type: single nucleotide variant.
Coding change: c.2038G>A on transcript NM_014927.5 (MANE Select); coding-DNA position 2038, G replaced by A.
Protein change: p.Glu680Lys; replaces glutamic acid 680 with lysine.
Molecular consequence: missense variant.
Genome position (GRCh38, 1-based): chrX:21,601,343, G>A. VCF-style: chrX-21601343-G-A. GRCh37 (hg19) VCF-style: chrX-21619461-G-A.
Other names: c.1948G>A, p.Glu650Lys (NM_001168647.3, NM_001330773.2); c.2038G>A, p.Glu680Lys (NM_001168648.3); c.1891G>A, p.Glu631Lys (NM_001168649.3, NM_001330770.2); c.1801G>A, p.Glu601Lys (NM_001330771.2, NM_001330772.2); short protein forms E601K, E631K, E650K, E680K.
Identifiers: ClinVar variation 5018328 (VCV005018328.1).